The following is an entry in ClinVar:

NM_031407.7(HUWE1):c.2960del (p.Gly987fs)

Gene: HUWE1 (HECT, UBA and WWE domain containing E3 ubiquitin protein ligase 1; minus strand). Cytogenetic location: Xp11.22.
Variant type: Deletion.
Coding change: c.2960del on transcript NM_031407.7 (MANE Select); coding-DNA position 2960, one base deleted (G; older notation c.2960delG).
Protein change: p.Gly987fs; shifts the reading frame from glycine 987.
Molecular consequence: frameshift variant.
Genome position (GRCh38, 1-based): chrX:53,602,575, C deleted on the plus strand (G on the coding strand, the reverse complement: HUWE1 is on the minus strand); the first of 2 consecutive C bases (chrX:53,602,575-53,602,576); deleting either gives the same sequence. VCF-style (leftmost placement, unchanged base first): chrX-53602574-TC-T. GRCh37 (hg19) VCF-style: chrX-53629535-TC-T.
Other names: short protein forms G987fs.
Identifiers: ClinVar variation 1703066 (VCV001703066.3), dbSNP rs2526757687, ClinGen allele CA2580101221.
Genomic context (GRCh38, chrX:53,602,574, plus strand): 5'-AGGAACAAAACTTAGAAGTAATGACTAACATTTTAGTTTCTTAGAGTTACCTGATCTTTT[TC>T]CGCCCTGGGTCGTACCTGCCTTCTCATCCTTTGGAACCAGTTTCTGCATATCTGCCTGGC-3'

ClinVar aggregate classification (germline): Pathogenic (1 of 4 stars; one submission).

Conditions:
Intellectual developmental disorder, X-linked, syndromic, Turner type. Also called: X-linked intellectual disability, Turner type; Intellectual disability, X-linked syndromic, Turner type. Identifiers: Orphanet 3056, Orphanet 85328, MedGen C2678046, MONDO:0010407, OMIM 309590.

Submission:

Greenwood Genetic Center Diagnostic Laboratories, Greenwood Genetic Center
Classification: Pathogenic for Intellectual developmental disorder, X-linked, syndromic, Turner type. Last evaluated: 2022-05-25. Review status: criteria provided, single submitter. Criteria: ACMG Guidelines, 2015. Collection method: clinical testing. Allele origin: germline. Affected: yes.
Comment: PVS1, PM2, PM6